The following is an entry in ClinVar:

ClinVar aggregate classification (germline): Uncertain significance (1 of 4 stars; one submission).

Conditions:
Acromesomelic dysplasia 1, Maroteaux type (AMD1). Also called: ACROMESOMELIC DYSPLASIA 1; ST. HELENA DYSPLASIA. Identifiers: Orphanet 40, MedGen C1864356, MONDO:0011275, OMIM 602875.
Tall stature-scoliosis-macrodactyly of the great toes syndrome. Also called: Epiphyseal chondrodysplasia, miura type. Identifiers: Orphanet 329191, MedGen C4014690, MONDO:0014401, OMIM 615923.

Allele frequency attached by ClinVar (database versions not stated): TOPMed below 0.00001; gnomAD exomes 0.00001.
gnomAD v4.1: 10 of 1,609,776 alleles (0.00062%); highest among the groups gnomAD compares: Non-Finnish European, 0.00077%; no homozygotes.

Submission:

Labcorp Genetics (formerly Invitae), Labcorp
Classification: Uncertain significance for Tall stature-scoliosis-macrodactyly of the great toes syndrome; Acromesomelic dysplasia 1, Maroteaux type. Last evaluated: 2025-08-15. Review status: criteria provided, single submitter. Criteria: Invitae Variant Classification Sherloc (09022015). Collection method: clinical testing. Allele origin: germline.
Comment: This sequence change replaces alanine, which is neutral and non-polar, with threonine, which is neutral and polar, at codon 585 of the NPR2 protein (p.Ala585Thr). This variant is present in population databases (rs746601736, gnomAD 0.0009%). This variant has not been reported in the literature in individuals affected with NPR2-related conditions. ClinVar contains an entry for this variant (Variation ID: 2187672). Invitae Evidence Modeling of protein sequence and biophysical properties (such as structural, functional, and spatial information, amino acid conservation, physicochemical variation, residue mobility, and thermodynamic stability) indicates that this missense variant is not expected to disrupt NPR2 protein function with a negative predictive value of 80%. In summary, the available evidence is currently insufficient to determine the role of this variant in disease. Therefore, it has been classified as a Variant of Uncertain Significance.

NM_003995.4(NPR2):c.1753G>A (p.Ala585Thr)

Gene: NPR2 (natriuretic peptide receptor 2; plus strand). Cytogenetic location: 9p13.3.
Variant type: single nucleotide variant.
Coding change: c.1753G>A on transcript NM_003995.4 (MANE Select); coding-DNA position 1753, G replaced by A.
Protein change: p.Ala585Thr; replaces alanine 585 with threonine.
Molecular consequence: missense variant.
Genome position (GRCh38, 1-based): chr9:35,802,545, G>A. VCF-style: chr9-35802545-G-A. GRCh37 (hg19) VCF-style: chr9-35802542-G-A.
Other names: c.1762G>A, p.Ala588Thr (NM_001378923.1); short protein forms A585T, A588T.
Identifiers: ClinVar variation 2187672 (VCV002187672.4), dbSNP rs746601736, ClinGen allele CA192768693.